The following is an entry in ClinVar:

ClinVar aggregate classification (germline): Pathogenic/Likely pathogenic. Review status: criteria provided, multiple submitters, no conflicts (2 of 4 stars). 2 submissions from 2 submitters: Pathogenic (1); Likely pathogenic (1). Last evaluated 2024-04-12.

Conditions:
Hereditary cancer-predisposing syndrome. Also called: Tumor predisposition; Neoplastic Syndromes, Hereditary; Hereditary neoplastic syndrome; Hereditary Cancer Syndrome. Identifiers: Orphanet 140162, MedGen C0027672, MeSH D009386, MONDO:0015356.
Ataxia-telangiectasia syndrome (AT). Also called: LOUIS-BAR SYNDROME; Ataxia-telangiectasia, complementation group D; AT, COMPLEMENTATION GROUP C; Cerebello-oculocutaneous telangiectasia; Immunodeficiency with ataxia telangiectasia; ATAXIA-TELANGIECTASIA, COMPLEMENTATION GROUP A. Identifiers: Orphanet 100, MedGen C0004135, MONDO:0008840, OMIM 208900.

Allele frequency attached by ClinVar (database versions not stated): gnomAD exomes below 0.00001.

Submissions (2):

Labcorp Genetics (formerly Invitae), Labcorp
Classification: Pathogenic for Ataxia-telangiectasia syndrome. Last evaluated: 2024-04-12. Review status: criteria provided, single submitter. Criteria: Invitae Variant Classification Sherloc (09022015). Collection method: clinical testing. Allele origin: germline.
Comment: This sequence change creates a premature translational stop signal (p.Tyr1508*) in the ATM gene. It is expected to result in an absent or disrupted protein product. Loss-of-function variants in ATM are known to be pathogenic (PMID: 23807571, 25614872). This variant is not present in population databases (gnomAD no frequency). This variant has not been reported in the literature in individuals affected with ATM-related conditions. ClinVar contains an entry for this variant (Variation ID: 1070602). Algorithms developed to predict the effect of sequence changes on RNA splicing suggest that this variant may disrupt the consensus splice site. For these reasons, this variant has been classified as Pathogenic.

Sema4
Classification: Likely pathogenic for Hereditary cancer-predisposing syndrome. Last evaluated: 2020-10-23. Review status: criteria provided, single submitter. Criteria: Sema4 Curation Guidelines. Collection method: curation. Allele origin: germline.
Comment: To the best of our knowledge, the ATM c.4523dupA (p.Y1508X) variant has not been reported in individuals with ATM-related disease. This nonsense variant creates a premature stop codon at residue 1508 of the ATM protein. At this location, this is predicted to cause nonsense-mediated decay and result in an absent protein (loss of function). This variant is not reported in the population database Genome Aggregation Database (PMID: 27535533). Based on the current evidence available, this variant is interpreted as likely pathogenic.

Literature cited by the submitters: PubMed 23807571 (cited by Labcorp Genetics (formerly Invitae), Labcorp); PubMed 25614872 (cited by Labcorp Genetics (formerly Invitae), Labcorp).

NM_000051.4(ATM):c.4523dup (p.Tyr1508Ter)

Gene: ATM (ATM serine/threonine kinase; plus strand). Cytogenetic location: 11q22.3.
Variant type: Duplication.
Coding change: c.4523dup on transcript NM_000051.4 (MANE Select); coding-DNA position 4523, one base duplicated (A; older notation c.4523dupA).
Protein change: p.Tyr1508Ter; replaces tyrosine 1508 with a stop codon.
Molecular consequence: nonsense.
Genome position (GRCh38, 1-based): chr11:108,292,705, A duplicated. VCF-style (leftmost placement, unchanged base first): chr11-108292704-T-TA. GRCh37 (hg19) VCF-style: chr11-108163431-T-TA.
Other names: c.4523dup, p.Tyr1508Ter (NM_001351834.2); short protein forms Y1508*.
Identifiers: ClinVar variation 1070602 (VCV001070602.8), dbSNP rs2135800044, ClinGen allele CA2499220639.
Genomic context (GRCh38, chr11:108,292,704, plus strand): 5'-TTACGTAGCTTCTCCCTTTGTTGTGACTTATTAAGTCAGGTTTGCCAGACAGCCGTGACT[T>TA]ACTGTAAGGATGCTCTAGAAAACCATCTTCATGTTATTGTTGGTACACTTATACCCCTTG-3'